The following is an entry in ClinVar:

NC_000023.10:g.(?_32662229)_(32663289_?)del

Gene: DMD (dystrophin; minus strand). Cytogenetic location: Xp21.1.
Variant type: Deletion.
Identifiers: ClinVar variation 1457511 (VCV001457511.6).

ClinVar aggregate classification (germline): Pathogenic (1 of 4 stars; one submission).

Conditions:
Duchenne muscular dystrophy (DMD). Also called: Duchenne Muscular Dystrophy (DMD); MUSCULAR DYSTROPHY, PSEUDOHYPERTROPHIC PROGRESSIVE, DUCHENNE TYPE. Identifiers: Orphanet 98896, MedGen C0013264, MONDO:0010679, OMIM 310200.

Submission:

Labcorp Genetics (formerly Invitae), Labcorp
Classification: Pathogenic for Duchenne muscular dystrophy. Last evaluated: 2022-03-18. Review status: criteria provided, single submitter. Criteria: Invitae Variant Classification Sherloc (09022015). Collection method: clinical testing. Allele origin: germline.
Comment: For these reasons, this variant has been classified as Pathogenic. A similar copy number variant has been observed in individual(s) with Duchenne muscular dystrophy (PMID: 7668256, 15655674, 27206868). This variant is a gross deletion of the genomic region encompassing exon(s) 10-11 of the DMD gene. This deletion is out-of-frame, and is expected to create a premature termination codon and result in an absent or disrupted protein product. Loss-of-function variants in DMD are known to be pathogenic (PMID: 16770791, 25007885).

Literature cited by the submitters: PubMed 7668256; PubMed 15655674; PubMed 27206868; PubMed 16770791; PubMed 25007885.